The following is an entry in ClinVar:

ClinVar aggregate classification (germline): Benign (1 of 4 stars; one submission).

Allele frequency attached by ClinVar (database versions not stated): gnomAD exomes 0.24739; 1000 Genomes Project 0.25779; 1000 Genomes Project 30x 0.26593; TOPMed 0.28502; gnomAD 0.28921.
gnomAD v4.1: 171,756 of 669,240 alleles (26%); highest among the groups gnomAD compares: African/African-American, 39%; 23,488 homozygotes.

Submission:

GeneDx
Classification: Benign. Last evaluated: 2018-06-19. Review status: criteria provided, single submitter. Criteria: GeneDx Variant Classification (06012015). Collection method: clinical testing. Allele origin: germline. Affected: yes.
Comment: This variant is considered likely benign or benign based on one or more of the following criteria: it is a conservative change, it occurs at a poorly conserved position in the protein, it is predicted to be benign by multiple in silico algorithms, and/or has population frequency not consistent with disease.

NM_000426.4(LAMA2):c.284-131C>T

Gene: LAMA2 (laminin subunit alpha 2; plus strand). Cytogenetic location: 6q22.33.
Variant type: single nucleotide variant.
Coding change: c.284-131C>T on transcript NM_000426.4 (MANE Select); 131 bases into the intron before coding-DNA position 284, C replaced by T.
Molecular consequence: intron variant.
Genome position (GRCh38, 1-based): chr6:129,059,653, C>T. VCF-style: chr6-129059653-C-T. GRCh37 (hg19) VCF-style: chr6-129380798-C-T.
Other names: c.284-131C>T (NM_001079823.2).
Identifiers: ClinVar variation 682899 (VCV000682899.1), dbSNP rs10499148, ClinGen allele CA147271806.